The following is an entry in ClinVar:

NM_176787.5(PIGN):c.2494A>T (p.Met832Leu)

Gene: PIGN (phosphatidylinositol glycan anchor biosynthesis class N; minus strand). Cytogenetic location: 18q21.33.
Variant type: single nucleotide variant.
Coding change: c.2494A>T on transcript NM_176787.5 (MANE Select); coding-DNA position 2494, A replaced by T.
Protein change: p.Met832Leu; replaces methionine 832 with leucine.
Molecular consequence: missense variant.
Genome position (GRCh38, 1-based): chr18:62,084,539, T>A on the plus strand (A>T on the coding strand, the complement: PIGN is on the minus strand). VCF-style: chr18-62084539-T-A. GRCh37 (hg19) VCF-style: chr18-59751772-T-A.
Other names: c.2494A>T, p.Met832Leu (NM_012327.6); short protein forms M832L.
Identifiers: ClinVar variation 663494 (VCV000663494.8), dbSNP rs1363341109, ClinGen allele CA402601187.

ClinVar aggregate classification (germline): Uncertain significance (1 of 4 stars; one submission).

Conditions:
Multiple congenital anomalies-hypotonia-seizures syndrome 1 (MCAHS1). Also called: PIGN-CDG; Congenital disorder of glycosylation due to PIGN deficiency; GLYCOSYLPHOSPHATIDYLINOSITOL BIOSYNTHESIS DEFECT 3. Identifiers: Orphanet 280633, MedGen C3279775, MONDO:0013563, OMIM 614080.

Allele frequency attached by ClinVar (database versions not stated): gnomAD 0.00001.

Submission:

Labcorp Genetics (formerly Invitae), Labcorp
Classification: Uncertain significance for Multiple congenital anomalies-hypotonia-seizures syndrome 1. Last evaluated: 2020-03-06. Review status: criteria provided, single submitter. Criteria: Invitae Variant Classification Sherloc (09022015). Collection method: clinical testing. Allele origin: germline.
Comment: In summary, the available evidence is currently insufficient to determine the role of this variant in disease. Therefore, it has been classified as a Variant of Uncertain Significance. Algorithms developed to predict the effect of missense changes on protein structure and function output the following: SIFT: "Tolerated"; PolyPhen-2: "Benign"; Align-GVGD: "Class C0". The leucine amino acid residue is found in multiple mammalian species, suggesting that this missense change does not adversely affect protein function. These predictions have not been confirmed by published functional studies and their clinical significance is uncertain. This variant has not been reported in the literature in individuals with PIGN-related disease. This variant is not present in population databases (ExAC no frequency). This sequence change replaces methionine with leucine at codon 832 of the PIGN protein (p.Met832Leu). The methionine residue is moderately conserved and there is a small physicochemical difference between methionine and leucine.